The following is an entry in ClinVar:

NM_000038.6(APC):c.645+3449G>C

Gene: APC (APC regulator of WNT signaling pathway; plus strand). Cytogenetic location: 5q22.2.
Variant type: single nucleotide variant.
Coding change: c.645+3449G>C on transcript NM_000038.6 (MANE Select); 3449 bases into the intron after coding-DNA position 645, G replaced by C.
Molecular consequence: intron variant.
Genome position (GRCh38, 1-based): chr5:112,784,352, G>C. VCF-style: chr5-112784352-G-C. GRCh37 (hg19) VCF-style: chr5-112120049-G-C.
Other names: c.645+3449G>C (NM_001354895.2, NM_001127510.3, NM_001354896.2 and 2 more transcripts); c.675+3449G>C (NM_001354897.2, NM_001354902.2, NM_001127511.3); c.570+3449G>C (NM_001354898.2, NM_001354904.2); c.-391+3449G>C (NM_001354906.2); c.468+3449G>C (NM_001354900.2, NM_001354901.2, NM_001354905.2).
Identifiers: ClinVar variation 82960 (VCV000082960.2), dbSNP rs77635560, ClinGen allele CA011430.
Genomic context (GRCh38, chr5:112,784,352, plus strand): 5'-TCTTGGCCTCAAGTGATCTGCCTGCCTTGACCTCCCAAAGTGCTGGGATTACAGGCATGA[G>C]CCACTGCACCCAGCCAACATTGTCTGCCCTGTTCTTTTAAGAATAAATTGATACATTTTT-3'

ClinVar aggregate classification (germline): other (0 of 4 stars; one submission).

Conditions:
Familial colorectal cancer. Identifiers: MedGen CN280943, MONDO:0023113. Disease mechanism: loss of function.

Submission:

Systems Biology Platform Zhejiang California International NanoSystems Institute
Classification: other for Familial colorectal cancer. Review status: no assertion criteria provided. Collection method: not provided. Allele origin: unknown.
ClinVar note: Converted during submission from cancer to other.